The following is an entry in ClinVar:

ClinVar aggregate classification (germline): Uncertain significance (1 of 4 stars; one submission).

Conditions:
CHARGE syndrome (CHARGE). Also called: Hittner Hirsch Kreh syndrome; CHARGE ASSOCIATION--COLOBOMA, HEART ANOMALY, CHOANAL ATRESIA, RETARDATION, GENITAL AND EAR ANOMALIES; Coloboma, heart anomaly, choanal atresia, retardation, genital and ear anomalies; CHARGE association; Hall-Hittner syndrome. Identifiers: Orphanet 138, MedGen C0265354, MONDO:0008965.

Allele frequency attached by ClinVar (database versions not stated): TOPMed below 0.00001; gnomAD 0.00001.
gnomAD v4.1: 2 of 1,607,882 alleles (0.00012%); highest among the groups gnomAD compares: Non-Finnish European, 0.00017%; no homozygotes.

Submission:

Labcorp Genetics (formerly Invitae), Labcorp
Classification: Uncertain significance for CHARGE syndrome. Last evaluated: 2025-02-06. Review status: criteria provided, single submitter. Criteria: Invitae Variant Classification Sherloc (09022015). Collection method: clinical testing. Allele origin: germline.
Comment: This sequence change replaces threonine, which is neutral and polar, with asparagine, which is neutral and polar, at codon 1555 of the CHD7 protein (p.Thr1555Asn). This variant is not present in population databases (gnomAD no frequency). This variant has not been reported in the literature in individuals affected with CHD7-related conditions. ClinVar contains an entry for this variant (Variation ID: 2756694). Invitae Evidence Modeling of protein sequence and biophysical properties (such as structural, functional, and spatial information, amino acid conservation, physicochemical variation, residue mobility, and thermodynamic stability) has been performed for this missense variant. However, the output from this modeling did not meet the statistical confidence thresholds required to predict the impact of this variant on CHD7 protein function. In summary, the available evidence is currently insufficient to determine the role of this variant in disease. Therefore, it has been classified as a Variant of Uncertain Significance.

NM_017780.4(CHD7):c.4664C>A (p.Thr1555Asn)

Gene: CHD7 (chromodomain helicase DNA binding protein 7; plus strand). Cytogenetic location: 8q12.2.
Variant type: single nucleotide variant.
Coding change: c.4664C>A on transcript NM_017780.4 (MANE Select); coding-DNA position 4664, C replaced by A.
Protein change: p.Thr1555Asn; replaces threonine 1555 with asparagine.
Molecular consequence: missense variant. On other transcripts: intron variant (1).
Genome position (GRCh38, 1-based): chr8:60,841,866, C>A. VCF-style: chr8-60841866-C-A. GRCh37 (hg19) VCF-style: chr8-61754425-C-A.
Other names: c.1717-20363C>A (NM_001316690.1); short protein forms T1555N.
Identifiers: ClinVar variation 2756694 (VCV002756694.3), dbSNP rs1296815856, ClinGen allele CA371318953.